The following is an entry in ClinVar:

ClinVar aggregate classification (germline): Uncertain significance (1 of 4 stars; one submission).

Conditions:
Hereditary cancer-predisposing syndrome. Also called: Neoplastic Syndromes, Hereditary; Tumor predisposition; Hereditary Cancer Syndrome; Hereditary neoplastic syndrome. Identifiers: Orphanet 140162, MedGen C0027672, MeSH D009386, MONDO:0015356.

Allele frequency attached by ClinVar (database versions not stated): gnomAD exomes below 0.00001.
gnomAD v4.1: 3 of 1,613,916 alleles (0.00019%); highest among the groups gnomAD compares: Non-Finnish European, 0.00025%; no homozygotes.

Submission:

Ambry Genetics
Classification: Uncertain significance for Hereditary cancer-predisposing syndrome. Last evaluated: 2022-09-21. Review status: criteria provided, single submitter. Criteria: Ambry Variant Classification Scheme 2023. Collection method: clinical testing. Allele origin: germline.
Comment: The p.E423K variant (also known as c.1267G>A), located in coding exon 7 of the DICER1 gene, results from a G to A substitution at nucleotide position 1267. The glutamic acid at codon 423 is replaced by lysine, an amino acid with similar properties. This amino acid position is conserved. In addition, the in silico prediction for this alteration is inconclusive. Since supporting evidence is limited at this time, the clinical significance of this alteration remains unclear.

NM_177438.3(DICER1):c.1267G>A (p.Glu423Lys)

Gene: DICER1 (dicer 1, ribonuclease III; minus strand). Cytogenetic location: 14q32.13.
Variant type: single nucleotide variant.
Coding change: c.1267G>A on transcript NM_177438.3 (MANE Select); coding-DNA position 1267, G replaced by A.
Protein change: p.Glu423Lys; replaces glutamic acid 423 with lysine.
Molecular consequence: missense variant. On other transcripts: 5 prime UTR variant (1), non-coding transcript variant (6).
Genome position (GRCh38, 1-based): chr14:95,124,305, C>T on the plus strand (G>A on the coding strand, the complement: DICER1 is on the minus strand). VCF-style: chr14-95124305-C-T. GRCh37 (hg19) VCF-style: chr14-95590642-C-T.
Other names: c.1267G>A, p.Glu423Lys (NM_001395678.1, NM_001395682.1, NM_001395681.1 and 15 more transcripts); c.985G>A, p.Glu329Lys (NM_001395686.1); c.862G>A, p.Glu288Lys (NM_001395687.1, NM_001395688.1, NM_001395689.1 and 3 more transcripts); c.700G>A, p.Glu234Lys (NM_001395691.1); c.-302G>A (NM_001395697.1); short protein forms E234K, E288K, E329K, E423K.
Identifiers: ClinVar variation 1764472 (VCV001764472.2), dbSNP rs2140202273, ClinGen allele CA390886405.